The following is an entry in ClinVar:

NM_000110.4(DPYD):c.1310C>T (p.Ala437Val)

Gene: DPYD (dihydropyrimidine dehydrogenase; minus strand). Cytogenetic location: 1p21.3.
Variant type: single nucleotide variant.
Coding change: c.1310C>T on transcript NM_000110.4 (MANE Select); coding-DNA position 1310, C replaced by T.
Protein change: p.Ala437Val; replaces alanine 437 with valine.
Molecular consequence: missense variant.
Genome position (GRCh38, 1-based): chr1:97,573,789, G>A on the plus strand (C>T on the coding strand, the complement: DPYD is on the minus strand). VCF-style: chr1-97573789-G-A. GRCh37 (hg19) VCF-style: chr1-98039345-G-A.
Other names: short protein forms A437V.
Identifiers: ClinVar variation 585800 (VCV000585800.4), dbSNP rs1290815802, ClinGen allele CA341378601.

ClinVar aggregate classification (germline): Uncertain significance. Review status: criteria provided, multiple submitters, no conflicts (2 of 4 stars). 4 submissions from 4 submitters: Uncertain significance (4). Last evaluated 2024-10-04.

Conditions:
Dihydropyrimidine dehydrogenase deficiency (DPYDD). Also called: DPD DEFICIENCY; DPYD DEFICIENCY; Hereditary Thymine-Uraciluria. Identifiers: Orphanet 1675, MedGen C1959620, MONDO:0010130, OMIM 274270.

Allele frequency attached by ClinVar (database versions not stated): gnomAD exomes 0.00001.

Submissions (4):

Blueprint Genetics
Classification: Uncertain significance. Last evaluated: 2024-10-04. Review status: criteria provided, single submitter. Criteria: ACMG Guidelines, 2015. Collection method: clinical testing. Allele origin: germline.

Genome-Nilou Lab
Classification: Uncertain significance for Dihydropyrimidine dehydrogenase deficiency. Last evaluated: 2023-04-11. Review status: criteria provided, single submitter. Criteria: ACMG Guidelines, 2015. Collection method: clinical testing. Allele origin: germline. Affected: no.

Baylor Genetics
Classification: Uncertain significance for Dihydropyrimidine dehydrogenase deficiency. Last evaluated: 2019-10-09. Review status: criteria provided, single submitter. Criteria: ACMG Guidelines, 2015. Collection method: clinical testing. Allele origin: unknown. Affected: yes.
Comment: This variant was determined to be of uncertain significance according to ACMG Guidelines, 2015 [PMID:25741868].

Athena Diagnostics
Classification: Uncertain significance. Last evaluated: 2018-05-14. Review status: criteria provided, single submitter. Criteria: Athena Diagnostics Criteria. Collection method: clinical testing. Allele origin: germline.